The following is an entry in ClinVar:

NM_032228.6(FAR1):c.1220A>G (p.Asn407Ser)

Gene: FAR1 (fatty acyl-CoA reductase 1; plus strand). Cytogenetic location: 11p15.3.
Variant type: single nucleotide variant.
Coding change: c.1220A>G on transcript NM_032228.6 (MANE Select); coding-DNA position 1220, A replaced by G.
Protein change: p.Asn407Ser; replaces asparagine 407 with serine.
Molecular consequence: missense variant.
Genome position (GRCh38, 1-based): chr11:13,721,822, A>G. VCF-style: chr11-13721822-A-G. GRCh37 (hg19) VCF-style: chr11-13743369-A-G.
Other names: short protein forms N407S.
Identifiers: ClinVar variation 1373276 (VCV001373276.11), dbSNP rs140610185, ClinGen allele CA5893479.
Genomic context (GRCh38, chr11:13,721,822, plus strand): 5'-CTATGGTGTTTCTTGAATATTTCACAAGTAATTCTTGGGTTTGGAATACTGAGAATGTCA[A>G]TATGTTAATGAATCAACTAAACCCTGAAGATAAAAAGGCAAGCAAGTATTTTCTGTTTTA-3'
Protein context (NP_115604.1, residues 397-417): NSWVWNTENV[Asn407Ser]MLMNQLNPED

ClinVar aggregate classification (germline): Uncertain significance. Review status: criteria provided, multiple submitters, no conflicts (2 of 4 stars). 2 submissions from 2 submitters: Uncertain significance (2). Last evaluated 2026-01-28.

Allele frequency attached by ClinVar (database versions not stated): gnomAD 0.00001 and 0.00002; gnomAD exomes 0.00002 and 0.00003; TOPMed 0.00002; ExAC 0.00006; ESP Exome Variant Server 0.00015.
gnomAD v4.1: 33 of 1,610,296 alleles (0.002%); highest among the groups gnomAD compares: Middle Eastern, 0.017%; no homozygotes.

Submissions (2):

Women's Health and Genetics/Laboratory Corporation of America, LabCorp
Classification: Uncertain significance. Last evaluated: 2026-01-28. Review status: criteria provided, single submitter. Criteria: LabCorp Variant Classification Summary - May 2015. Collection method: clinical testing. Allele origin: germline.
Comment: Variant summary: FAR1 c.1220A>G (p.Asn407Ser) results in a conservative amino acid change located in the Fatty acyl-CoA reductase, C-terminal mdomain (IPR033640) of the encoded protein sequence. Algorithms developed to predict the effect of missense changes on protein structure and function all suggest that this variant is likely to be tolerated. The variant allele was found at a frequency of 3.2e-05 in 248104 control chromosomes. The available data on variant occurrences in the general population are insufficient to allow any conclusion about variant significance. To our knowledge, no occurrence of c.1220A>G in individuals affected with FAR1-related conditions and no experimental evidence demonstrating its impact on protein function have been reported. ClinVar contains an entry for this variant (Variation ID: 1373276). Based on the evidence outlined above, the variant was classified as uncertain significance.

Labcorp Genetics (formerly Invitae), Labcorp
Classification: Uncertain significance. Last evaluated: 2025-09-24. Review status: criteria provided, single submitter. Criteria: Invitae Variant Classification Sherloc (09022015). Collection method: clinical testing. Allele origin: germline.
Comment: This sequence change replaces asparagine, which is neutral and polar, with serine, which is neutral and polar, at codon 407 of the FAR1 protein (p.Asn407Ser). This variant is present in population databases (rs140610185, gnomAD 0.008%). This variant has not been reported in the literature in individuals affected with FAR1-related conditions. ClinVar contains an entry for this variant (Variation ID: 1373276). Invitae Evidence Modeling of protein sequence and biophysical properties (such as structural, functional, and spatial information, amino acid conservation, physicochemical variation, residue mobility, and thermodynamic stability) indicates that this missense variant is not expected to disrupt FAR1 protein function with a negative predictive value of 80%. In summary, the available evidence is currently insufficient to determine the role of this variant in disease. Therefore, it has been classified as a Variant of Uncertain Significance.